The following is an entry in ClinVar:

ClinVar aggregate classification (germline): Uncertain significance (1 of 4 stars; one submission).

Submission:

GeneDx
Classification: Uncertain significance. Last evaluated: 2026-04-09. Review status: criteria provided, single submitter. Criteria: GeneDx Variant Classification Process June 2021. Collection method: clinical testing. Allele origin: germline.
Comment: Not observed in large population cohorts (gnomAD); In silico analysis supports that this missense variant does not alter protein structure/function; Has not been previously published as pathogenic or benign to our knowledge

NM_018489.3(ASH1L):c.4261C>T (p.Leu1421Phe)

Gene: ASH1L (ASH1 like histone lysine methyltransferase; minus strand). Cytogenetic location: 1q22.
Variant type: single nucleotide variant.
Coding change: c.4261C>T on transcript NM_018489.3 (MANE Select); coding-DNA position 4261, C replaced by T.
Protein change: p.Leu1421Phe; replaces leucine 1421 with phenylalanine.
Molecular consequence: missense variant.
Genome position (GRCh38, 1-based): chr1:155,478,609, G>A on the plus strand (C>T on the coding strand, the complement: ASH1L is on the minus strand). VCF-style: chr1-155478609-G-A. GRCh37 (hg19) VCF-style: chr1-155448400-G-A.
Other names: c.4261C>T, p.Leu1421Phe (NM_001366177.2); short protein forms L1421F.
Identifiers: ClinVar variation 5016722 (VCV005016722.1).